The following is an entry in ClinVar:

ClinVar aggregate classification (germline): Uncertain significance (1 of 4 stars; one submission).

Allele frequency attached by ClinVar (database versions not stated): TOPMed below 0.00001.
gnomAD v4.1: 1 of 1,604,044 alleles (0.000062%); no homozygotes.

Submission:

Labcorp Genetics (formerly Invitae), Labcorp
Classification: Uncertain significance. Last evaluated: 2022-05-04. Review status: criteria provided, single submitter. Criteria: Invitae Variant Classification Sherloc (09022015). Collection method: clinical testing. Allele origin: germline.
Comment: This sequence change replaces asparagine, which is neutral and polar, with histidine, which is basic and polar, at codon 821 of the CACNA1D protein (p.Asn821His). This variant is present in population databases (no rsID available, gnomAD no frequency). This variant has not been reported in the literature in individuals affected with CACNA1D-related conditions. Algorithms developed to predict the effect of missense changes on protein structure and function output the following: SIFT: "Tolerated"; PolyPhen-2: "Benign"; Align-GVGD: "Class C0". The histidine amino acid residue is found in multiple mammalian species, which suggests that this missense change does not adversely affect protein function. In summary, the available evidence is currently insufficient to determine the role of this variant in disease. Therefore, it has been classified as a Variant of Uncertain Significance.

NM_001128840.3(CACNA1D):c.2401A>C (p.Asn801His)

Gene: CACNA1D (calcium voltage-gated channel subunit alpha1 D; plus strand). Cytogenetic location: 3p21.1.
Variant type: single nucleotide variant.
Coding change: c.2401A>C on transcript NM_001128840.3 (MANE Select); coding-DNA position 2401, A replaced by C.
Protein change: p.Asn801His; replaces asparagine 801 with histidine.
Molecular consequence: missense variant.
Genome position (GRCh38, 1-based): chr3:53,731,141, A>C. VCF-style: chr3-53731141-A-C. GRCh37 (hg19) VCF-style: chr3-53765168-A-C.
Other names: c.2461A>C, p.Asn821His (NM_000720.4); c.2401A>C, p.Asn801His (NM_001128839.3); short protein forms N821H, N801H.
Identifiers: ClinVar variation 1974828 (VCV001974828.5), dbSNP rs1434926363, ClinGen allele CA353240808.